The following is an entry in ClinVar:

ClinVar aggregate classification (germline): Pathogenic. Review status: criteria provided, multiple submitters, no conflicts (2 of 4 stars). 8 submissions from 8 submitters: Pathogenic (8). Last evaluated 2025-11-22.

Conditions:
Becker muscular dystrophy (BMD). Also called: Becker Muscular Dystrophy (BMD); MUSCULAR DYSTROPHY, PSEUDOHYPERTROPHIC PROGRESSIVE, BECKER TYPE. Identifiers: Orphanet 98895, MedGen C0917713, MONDO:0010311, OMIM 300376.
Duchenne muscular dystrophy (DMD). Also called: Duchenne Muscular Dystrophy (DMD); MUSCULAR DYSTROPHY, PSEUDOHYPERTROPHIC PROGRESSIVE, DUCHENNE TYPE. Identifiers: Orphanet 98896, MedGen C0013264, MONDO:0010679, OMIM 310200.
Dilated cardiomyopathy 3B (CMD3B). Also called: CMD3B: DMD-Related Dilated Cardiomyopathy; CARDIOMYOPATHY, DILATED, X-LINKED; DMD-Associated Dilated Cardiomyopathy. Identifiers: Orphanet 154, MedGen C3668940, MONDO:0010542, OMIM 302045.
Neuromuscular disease caused by qualitative or quantitative defects of dystrophin. Also called: Qualitative or quantitative defects of dystrophin. Identifiers: Orphanet 207085, MedGen C5679787, MONDO:0016147.

Submissions (8):

Otogenetics
Classification: Pathogenic for Duchenne muscular dystrophy; Becker muscular dystrophy. Last evaluated: 2025-11-22. Review status: criteria provided, single submitter. Criteria: ACMG Guidelines, 2015. Collection method: clinical testing. Allele origin: germline.
Comment: PVS1: Stop gain variant introduces premature stop codon in gene with loss of function as mechanism of disease, predicted to undergo NMD; PM2: Variant not observed in gnomAD (<0.05% threshold); PP4: Variant reported in patients with highly specific phenotype for disease fitting (PMID: 29604111, 31727011, 32358784, 32559196)

Labcorp Genetics (formerly Invitae), Labcorp
Classification: Pathogenic for Duchenne muscular dystrophy. Last evaluated: 2025-10-02. Review status: criteria provided, single submitter. Criteria: Invitae Variant Classification Sherloc (09022015). Collection method: clinical testing. Allele origin: germline.
Comment: This sequence change creates a premature translational stop signal (p.Arg539*) in the DMD gene. It is expected to result in an absent or disrupted protein product. Loss-of-function variants in DMD are known to be pathogenic (PMID: 16770791, 25007885). This variant is not present in population databases (gnomAD no frequency). This premature translational stop signal has been observed in individuals with DMD-related muscular dystrophy (PMID: 15351422, 21515508, 21969337, 27593222). Invitae Evidence Modeling of clinical and family history, age, sex, and reported ancestry of multiple individuals with this DMD variant has been performed. This variant is expected to be pathogenic with a positive predictive value of at least 99%. This is a validated machine learning model that incorporates the clinical features of 600,801 individuals referred to our laboratory for DMD testing. ClinVar contains an entry for this variant (Variation ID: 94475). For these reasons, this variant has been classified as Pathogenic.

Illumina Laboratory Services, Illumina
Classification: Pathogenic for Neuromuscular disease caused by qualitative or quantitative defects of dystrophin. Last evaluated: 2023-10-24. Review status: criteria provided, single submitter. Criteria: ICSLVariantClassificationCriteria RUGD 01 April 2020. Collection method: clinical testing. Allele origin: unknown.
Comment: The DMD c.1615C>T p.(Arg539Ter) nonsense variant results in the loss of normal protein function through either protein truncation or nonsense-mediated mRNA decay. Across a selection of the available literature, this variant has been reported in a hemizygous state in several individuals with dystrophinopathies and, most commonly, in association with a Duchenne muscular dystrophy phenotype (PMID: 15351422; 21969337; 32559196). This variant is not observed in version 2.1.1 or version 3.1.2 of the Genome Aggregation Database. Based on the available evidence, the c.1615C>T p.(Arg539Ter) variant is classified as pathogenic for dystrophinopathies.

Revvity Omics, Revvity
Classification: Pathogenic. Last evaluated: 2023-05-19. Review status: criteria provided, single submitter. Criteria: ACMG Guidelines, 2015. Collection method: clinical testing. Allele origin: germline.

Laboratory of Medical Genetics, National & Kapodistrian University of Athens
Classification: Pathogenic for Duchenne muscular dystrophy. Last evaluated: 2022-12-16. Review status: criteria provided, single submitter. Criteria: ACMG Guidelines, 2015. Collection method: clinical testing. Allele origin: germline. Affected: yes.
Comment: PVS1, PM2, PP5

Athena Diagnostics
Classification: Pathogenic for Duchenne muscular dystrophy. Last evaluated: 2013-09-11. Review status: criteria provided, single submitter. Criteria: Athena Diagnostics Criteria. Collection method: clinical testing. Allele origin: germline. Inheritance: X-linked recessive inheritance.
Comment: X-linked recessive inheritance

Eurofins Ntd Llc (ga)
Classification: Pathogenic. Last evaluated: 2012-12-05. Review status: criteria provided, single submitter. Criteria: EGL Classification Definitions 2015. Collection method: clinical testing. Allele origin: germline. Observed: 1 variant allele, 1 hemizygote.

Juno Genomics, Hangzhou Juno Genomics, Inc
Classification: Pathogenic for Becker muscular dystrophy; Dilated cardiomyopathy 3B; Duchenne muscular dystrophy. Review status: criteria provided, single submitter. Criteria: ACMG Guidelines, 2015. Collection method: clinical testing. Allele origin: germline. Affected: yes.
Comment: Absent from controls (or at extremely low frequency if recessive) in Genome Aggregation Database, Exome Sequencing Project, 1000 Genomes Project, or Exome Aggregation Consortium.;Null variant in a gene where loss of function (LOF) is a known mechanism of disease.;The prevalence of the variant in affected individuals is significantly increased compared to the prevalence in controls.;Patient's phenotype or family history is highly specific for a disease with a single genetic etiology.

Literature cited by the submitters: PubMed 29604111 (cited by Otogenetics); PubMed 31727011 (cited by Otogenetics); PubMed 32358784 (cited by Otogenetics and Laboratory of Medical Genetics, National & Kapodistrian University of Athens); PubMed 32559196 (cited by Otogenetics and Illumina Laboratory Services, Illumina); PubMed 16770791 (cited by Labcorp Genetics (formerly Invitae), Labcorp); PubMed 25007885 (cited by Labcorp Genetics (formerly Invitae), Labcorp); PubMed 15351422 (cited by 3 submitters); PubMed 21515508 (cited by Labcorp Genetics (formerly Invitae), Labcorp); PubMed 21969337 (cited by 3 submitters); PubMed 27593222 (cited by Labcorp Genetics (formerly Invitae), Labcorp); PubMed 32528171 (cited by Laboratory of Medical Genetics, National & Kapodistrian University of Athens); PubMed 33644936 (cited by Laboratory of Medical Genetics, National & Kapodistrian University of Athens).

NM_004006.3(DMD):c.1615C>T (p.Arg539Ter)

Gene: DMD (dystrophin; minus strand). Cytogenetic location: Xp21.1.
Variant type: single nucleotide variant.
Coding change: c.1615C>T on transcript NM_004006.3 (MANE Select); coding-DNA position 1615, C replaced by T.
Protein change: p.Arg539Ter; replaces arginine 539 with a stop codon.
Molecular consequence: nonsense.
Genome position (GRCh38, 1-based): chrX:32,573,834, G>A on the plus strand (C>T on the coding strand, the complement: DMD is on the minus strand). VCF-style: chrX-32573834-G-A. GRCh37 (hg19) VCF-style: chrX-32591951-G-A.
Other names: NP_003997.1:p.Arg539*; c.1591C>T, p.Arg531Ter (NM_000109.4); c.1603C>T, p.Arg535Ter (NM_004009.3); c.1246C>T, p.Arg416Ter (NM_004010.3); short protein forms R539*, R535*, R531*, R416*.
Identifiers: ClinVar variation 94475 (VCV000094475.22), dbSNP rs398123865, ClinGen allele CA266898.
Genomic context (GRCh38, chrX:32,573,834, plus strand): 5'-GAAGGATGTCTTGTAAAAGAACCCAGCGGTCTTCTGTCCATCTACAGATGTTTGCCCATC[G>A]ATCTCCCAATACCTGGAGAAGAGACAATCAAGCACAGCATCAGCAAACAATTGGTAACTA-3'